The following is an entry in ClinVar:

NM_138927.4(SON):c.4658C>T (p.Ala1553Val)

Gene: SON (SON DNA and RNA binding protein; plus strand). Cytogenetic location: 21q22.11.
Variant type: single nucleotide variant.
Coding change: c.4658C>T on transcript NM_138927.4 (MANE Select); coding-DNA position 4658, C replaced by T.
Protein change: p.Ala1553Val; replaces alanine 1553 with valine.
Molecular consequence: missense variant. On other transcripts: non-coding transcript variant (1), intron variant (1).
Genome position (GRCh38, 1-based): chr21:33,553,889, C>T. VCF-style: chr21-33553889-C-T. GRCh37 (hg19) VCF-style: chr21-34926195-C-T.
Other names: c.4658C>T, p.Ala1553Val (NM_001291411.2, NM_032195.3); c.245-3267C>T (NM_001291412.3); short protein forms A1553V.
Identifiers: ClinVar variation 3665511 (VCV003665511.2).

ClinVar aggregate classification (germline): Uncertain significance (1 of 4 stars; one submission).

gnomAD v4.1: 2 of 1,614,086 alleles (0.00012%); highest among the groups gnomAD compares: Admixed American, 0.0033%; no homozygotes.

Submission:

Labcorp Genetics (formerly Invitae), Labcorp
Classification: Uncertain significance. Last evaluated: 2025-11-24. Review status: criteria provided, single submitter. Criteria: Invitae Variant Classification Sherloc (09022015). Collection method: clinical testing. Allele origin: germline.
Comment: This sequence change replaces alanine, which is neutral and non-polar, with valine, which is neutral and non-polar, at codon 1553 of the SON protein (p.Ala1553Val). This variant is not present in population databases (gnomAD no frequency). This variant has not been reported in the literature in individuals affected with SON-related conditions. ClinVar contains an entry for this variant (Variation ID: 3665511). An algorithm developed to predict the effect of missense changes on protein structure and function outputs the following: PolyPhen-2: "Benign". The valine amino acid residue is found in multiple mammalian species, which suggests that this missense change does not adversely affect protein function. In summary, the available evidence is currently insufficient to determine the role of this variant in disease. Therefore, it has been classified as a Variant of Uncertain Significance.